The following is an entry in ClinVar:

NM_001379180.1(ESRRB):c.536G>A (p.Cys179Tyr)

Gene: ESRRB (estrogen related receptor beta; plus strand). Cytogenetic location: 14q24.3.
Variant type: single nucleotide variant.
Coding change: c.536G>A on transcript NM_001379180.1 (MANE Select); coding-DNA position 536, G replaced by A.
Protein change: p.Cys179Tyr; replaces cysteine 179 with tyrosine.
Molecular consequence: missense variant.
Genome position (GRCh38, 1-based): chr14:76,462,620, G>A. VCF-style: chr14-76462620-G-A. GRCh37 (hg19) VCF-style: chr14-76928963-G-A.
Other names: c.488G>A, p.Cys163Tyr (NM_001411038.1); c.473G>A, p.Cys158Tyr (NM_004452.4); short protein forms C158Y, C163Y, C179Y.
Identifiers: ClinVar variation 2662378 (VCV002662378.1), dbSNP rs2503830577, ClinGen allele CA390476825.

ClinVar aggregate classification (germline): Uncertain significance (1 of 4 stars; one submission).

Submission:

GeneDx
Classification: Uncertain significance. Last evaluated: 2023-05-08. Review status: criteria provided, single submitter. Criteria: GeneDx Variant Classification Process June 2021. Collection method: clinical testing. Allele origin: germline. Affected: yes.
Comment: Not observed at significant frequency in large population cohorts (gnomAD); In silico analysis supports that this missense variant has a deleterious effect on protein structure/function; Has not been previously published as pathogenic or benign to our knowledge